The following is an entry in ClinVar:

NM_005138.3(SCO2):c.449dup (p.Leu151fs)

Genes: NCAPH2 (non-SMC condensin II complex subunit H2; plus strand), SCO2 (synthesis of cytochrome C oxidase 2; minus strand). Cytogenetic location: 22q13.33.
Variant type: Duplication.
Coding change: c.449dup on transcript NM_005138.3 (MANE Select); coding-DNA position 449, one base duplicated (A; older notation c.449dupA).
Protein change: p.Leu151fs; shifts the reading frame from leucine 151.
Molecular consequence: frameshift variant. On other transcripts: 3 prime UTR variant (2).
Genome position (GRCh38, 1-based): chr22:50,523,963, T duplicated on the plus strand (A on the coding strand, the reverse complement: SCO2 is on the minus strand). VCF-style (leftmost placement, unchanged base first): chr22-50523962-C-CT. GRCh37 (hg19) VCF-style: chr22-50962391-C-CT.
Other names: c.*588dup (NM_001185011.2, NM_152299.4); c.449dup, p.Leu151fs (NM_001169109.2, NM_001169110.1, NM_001169111.2); short protein forms L151fs.
Identifiers: ClinVar variation 2763900 (VCV002763900.3), dbSNP rs2522470123, ClinGen allele CA2697552836.

ClinVar aggregate classification (germline): Pathogenic (1 of 4 stars; one submission).

Submission:

Labcorp Genetics (formerly Invitae), Labcorp
Classification: Pathogenic. Last evaluated: 2023-09-27. Review status: criteria provided, single submitter. Criteria: Invitae Variant Classification Sherloc (09022015). Collection method: clinical testing. Allele origin: germline.
Comment: This sequence change creates a premature translational stop signal (p.Leu151Alafs*25) in the SCO2 gene. While this is not anticipated to result in nonsense mediated decay, it is expected to disrupt the last 116 amino acid(s) of the SCO2 protein. This variant is not present in population databases (gnomAD no frequency). This variant has not been reported in the literature in individuals affected with SCO2-related conditions. This variant disrupts a region of the SCO2 protein in which other variant(s) (p.Gly193Ser) have been determined to be pathogenic (PMID: 19353847, 29193756, 32600061). This suggests that this is a clinically significant region of the protein, and that variants that disrupt it are likely to be disease-causing. For these reasons, this variant has been classified as Pathogenic.

Literature cited by the submitters: PubMed 19353847; PubMed 29193756; PubMed 32600061.